The following is an entry in ClinVar:

ClinVar aggregate classification (germline): Likely benign. Review status: criteria provided, multiple submitters, no conflicts (2 of 4 stars). 3 submissions from 3 submitters: Likely benign (3). Last evaluated 2024-10-01.

Conditions:
Developmental and epileptic encephalopathy, 1 (DEE1). Also called: INFANTILE SPASM SYNDROME, X-LINKED 1; Epileptic encephalopathy, early infantile, 1; X-linked infantile spasms; West's syndrome; Tonic spasms with clustering, arrest of psychomotor development and hypsarrhythmia on EEG; X-Linked Infantile Spasm Syndrome. Identifiers: MedGen C3463992, MONDO:0010632, OMIM 308350. Disease mechanism: loss of function.
Autosomal dominant nonsyndromic hearing loss 65. Also called: Deafness, autosomal dominant 65; TBC1D24-Related Autosomal Dominant Nonsyndromic Hearing Loss (DFNA). Identifiers: Orphanet 90635, MedGen C3892048, MONDO:0014470, OMIM 616044.

Allele frequency attached by ClinVar (database versions not stated): gnomAD exomes below 0.00001 and 0.00002; ExAC 0.00001; TOPMed 0.00001.
gnomAD v4.1: 28 of 1,609,428 alleles (0.0017%); highest among the groups gnomAD compares: Non-Finnish European, 0.002%; no homozygotes.

Submissions (3):

CeGaT Center for Human Genetics Tuebingen
Classification: Likely benign. Last evaluated: 2024-10-01. Review status: criteria provided, single submitter. Criteria: CeGaT Center For Human Genetics Tuebingen Variant Classification Criteria Version 2. Collection method: clinical testing. Allele origin: germline. Affected: yes. Observed: 1 variant allele.
Comment: TBC1D24: BP4, BP7

Blueprint Genetics
Classification: Likely benign. Last evaluated: 2024-07-23. Review status: criteria provided, single submitter. Criteria: ACMG Guidelines, 2015. Collection method: clinical testing. Allele origin: germline.

Labcorp Genetics (formerly Invitae), Labcorp
Classification: Likely benign for Developmental and epileptic encephalopathy, 1; Autosomal dominant nonsyndromic hearing loss 65. Last evaluated: 2023-10-10. Review status: criteria provided, single submitter. Criteria: Invitae Variant Classification Sherloc (09022015). Collection method: clinical testing. Allele origin: germline.

NM_001199107.2(TBC1D24):c.438C>T (p.Ile146=)

Gene: TBC1D24 (TBC1 domain family member 24; plus strand). Cytogenetic location: 16p13.3.
Variant type: single nucleotide variant.
Coding change: c.438C>T on transcript NM_001199107.2 (MANE Select); coding-DNA position 438, C replaced by T.
Protein change: p.Ile146=; no amino-acid change (isoleucine 146 retained).
Molecular consequence: synonymous variant.
Genome position (GRCh38, 1-based): chr16:2,496,586, C>T. VCF-style: chr16-2496586-C-T. GRCh37 (hg19) VCF-style: chr16-2546587-C-T.
Other names: c.438C>T, p.Ile146= (NM_020705.3).
Identifiers: ClinVar variation 1079196 (VCV001079196.24), dbSNP rs776944981, ClinGen allele CA7843999.
Genomic context (GRCh38, chr16:2,496,586, plus strand): 5'-CGACATCTCCTTCTGCCCCGCCCTGCCGGCCGTGGTGGCCCTGCTGCTGCACTACAGCAT[C>T]GACGAGGCCGAGTGCTTCGAGAAGGCCTGCCGCATCCTGGCCTGCAATGACCCCGGCAGG-3'
Protein context (NP_001186036.1, residues 136-156): AVVALLLHYS[Ile146=]DEAECFEKAC